The following is an entry in ClinVar:

ClinVar aggregate classification (germline): Likely pathogenic (1 of 4 stars; one submission).

Conditions:
Colobomatous optic disc-macular atrophy-chorioretinopathy syndrome (ODRMD). Also called: OPTIC DISC ANOMALIES WITH RETINAL AND/OR MACULAR DYSTROPHY. Identifiers: Orphanet 435930, MedGen C4225424, MONDO:0008927, OMIM 212550.

Submission:

Kasturba Medical College, Manipal, Kasturba Medical College, Manipal, Manipal Academy of Higher Education, Manipal, India
Classification: Likely pathogenic for Colobomatous optic disc-macular atrophy-chorioretinopathy syndrome. Review status: criteria provided, single submitter. Criteria: ACMG Guidelines, 2015. Collection method: research. Allele origin: biparental. Inheritance: Autosomal recessive inheritance. Affected: yes. Observed: 1 homozygote.
Comment: This variant is absent in the gnomAD (v4.1.0) population database and in our in-house data of 3550 exomes. This variant introduces a premature termination codon which may either cause the transcript to undergo nonsense-mediated mRNA decay or lead to the formation of a truncated protein product.

NM_007374.3(SIX6):c.433G>T (p.Glu145Ter)

Genes: C14orf39 (chromosome 14 open reading frame 39; minus strand), SIX6 (SIX homeobox 6; plus strand). Cytogenetic location: 14q23.1.
Variant type: single nucleotide variant.
Coding change: c.433G>T on transcript NM_007374.3 (MANE Select); coding-DNA position 433, G replaced by T.
Protein change: p.Glu145Ter; replaces glutamic acid 145 with a stop codon.
Molecular consequence: nonsense.
Genome position (GRCh38, 1-based): chr14:60,509,831, G>T. VCF-style: chr14-60509831-G-T. GRCh37 (hg19) VCF-style: chr14-60976549-G-T.
Other names: short protein forms E145*.
Identifiers: ClinVar variation 3776768 (VCV003776768.1).